The following is an entry in ClinVar:

ClinVar aggregate classification (germline): Uncertain significance (1 of 4 stars; one submission).

gnomAD v4.1: 191 of 1,593,470 alleles (0.012%); highest among the groups gnomAD compares: Non-Finnish European, 0.0081%; no homozygotes.

Submission:

GeneDx
Classification: Uncertain significance. Last evaluated: 2026-06-27. Review status: criteria provided, single submitter. Criteria: GeneDx Variant Classification Process June 2021. Collection method: clinical testing. Allele origin: germline.
Comment: In silico analysis suggests that this missense variant does not alter protein structure/function; Has not been previously published as pathogenic or benign to our knowledge

NM_004667.6(HERC2):c.5480A>G (p.Asn1827Ser)

Gene: HERC2 (HECT and RLD domain containing E3 ubiquitin protein ligase 2; minus strand). Cytogenetic location: 15q13.1.
Variant type: single nucleotide variant.
Coding change: c.5480A>G on transcript NM_004667.6 (MANE Select); coding-DNA position 5480, A replaced by G.
Protein change: p.Asn1827Ser; replaces asparagine 1827 with serine.
Molecular consequence: missense variant.
Genome position (GRCh38, 1-based): chr15:28,222,200, T>C on the plus strand (A>G on the coding strand, the complement: HERC2 is on the minus strand). VCF-style: chr15-28222200-T-C. GRCh37 (hg19) VCF-style: chr15-28467346-T-C.
Other names: short protein forms N1827S.
Identifiers: ClinVar variation 4689793 (VCV004689793.2).